The following is an entry in ClinVar:

ClinVar aggregate classification (germline): Uncertain significance. Review status: criteria provided, multiple submitters, no conflicts (2 of 4 stars). 2 submissions from 2 submitters: Uncertain significance (2). Last evaluated 2024-05-17.

Conditions:
Inborn genetic diseases. Identifiers: MedGen C0950123, MeSH D030342.
COG4-congenital disorder of glycosylation. Also called: CONGENITAL DISORDER OF GLYCOSYLATION, TYPE IIj; COG4-CDG; CDG IIj. Identifiers: Orphanet 263501, MedGen C4303552, MONDO:0013281, OMIM 613489.

Allele frequency attached by ClinVar (database versions not stated): ExAC 0.00005; gnomAD exomes 0.00005 and 0.00010; TOPMed 0.00005; ESP Exome Variant Server 0.00008; gnomAD 0.00009.
gnomAD v4.1: 82 of 1,614,158 alleles (0.0051%); highest among the groups gnomAD compares: East Asian, 0.031%; no homozygotes.

Submissions (2):

Labcorp Genetics (formerly Invitae), Labcorp
Classification: Uncertain significance for COG4-congenital disorder of glycosylation. Last evaluated: 2024-05-17. Review status: criteria provided, single submitter. Criteria: Invitae Variant Classification Sherloc (09022015). Collection method: clinical testing. Allele origin: germline.
Comment: This sequence change replaces arginine, which is basic and polar, with histidine, which is basic and polar, at codon 198 of the COG4 protein (p.Arg198His). This variant is present in population databases (rs373443427, gnomAD 0.04%). This variant has not been reported in the literature in individuals affected with COG4-related conditions. ClinVar contains an entry for this variant (Variation ID: 1345892). Advanced modeling of protein sequence and biophysical properties (such as structural, functional, and spatial information, amino acid conservation, physicochemical variation, residue mobility, and thermodynamic stability) performed at Invitae indicates that this missense variant is not expected to disrupt COG4 protein function with a negative predictive value of 80%. In summary, the available evidence is currently insufficient to determine the role of this variant in disease. Therefore, it has been classified as a Variant of Uncertain Significance.

Ambry Genetics
Classification: Uncertain significance for Inborn genetic diseases. Last evaluated: 2022-05-18. Review status: criteria provided, single submitter. Criteria: Ambry Variant Classification Scheme 2023. Collection method: clinical testing. Allele origin: germline.
Comment: Unlikely to be causative of Saul-Wilson syndrome (AD) Based on insufficient or conflicting evidence, the clinical significance of this alteration remains unclear.

NM_015386.3(COG4):c.593G>A (p.Arg198His)

Gene: COG4 (component of oligomeric golgi complex 4; minus strand). Cytogenetic location: 16q22.1.
Variant type: single nucleotide variant.
Coding change: c.593G>A on transcript NM_015386.3 (MANE Select); coding-DNA position 593, G replaced by A.
Protein change: p.Arg198His; replaces arginine 198 with histidine.
Molecular consequence: missense variant. On other transcripts: non-coding transcript variant (1).
Genome position (GRCh38, 1-based): chr16:70,512,384, C>T on the plus strand (G>A on the coding strand, the complement: COG4 is on the minus strand). VCF-style: chr16-70512384-C-T. GRCh37 (hg19) VCF-style: chr16-70546287-C-T.
Other names: c.593G>A (NM_015386.2); c.581G>A, p.Arg194His (NM_001195139.2); c.167G>A, p.Arg56His (NM_001365426.1); short protein forms R194H, R198H, R56H.
Identifiers: ClinVar variation 1345892 (VCV001345892.9), dbSNP rs373443427, ClinGen allele CA8144638.